The following is an entry in ClinVar:

ClinVar aggregate classification (germline): Likely benign (1 of 4 stars; one submission).

Submission:

CeGaT Center for Human Genetics Tuebingen
Classification: Likely benign. Last evaluated: 2026-07-01. Review status: criteria provided, single submitter. Criteria: CeGaT Center For Human Genetics Tuebingen Variant Classification Criteria Version 2. Collection method: clinical testing. Allele origin: germline. Affected: yes. Observed: 4 variant alleles.
Comment: FOCAD: BP4

NM_001375567.1(FOCAD):c.4729-5_4729-4insTTTTTTTTTTTTTTTTTT

Gene: FOCAD (focadhesin; plus strand). Cytogenetic location: 9p21.3.
Variant type: Insertion.
Coding change: c.4729-5_4729-4insTTTTTTTTTTTTTTTTTT on transcript NM_001375567.1 (MANE Select); 5 bases into the intron before coding-DNA position 4729 through 4 bases into the intron before coding-DNA position 4729, TTTTTTTTTTTTTTTTTT inserted.
Molecular consequence: intron variant.
Genome position: GRCh38 VCF-style: chr9-20986266-A-ATTTTTTTTTTTTTTTTTT. GRCh37 (hg19) VCF-style: chr9-20986265-A-ATTTTTTTTTTTTTTTTTT.
Other names: c.4729-5_4729-4insTTTTTTTTTTTTTTTTTT (NM_017794.5); c.4624-5_4624-4insTTTTTTTTTTTTTTTTTT (NM_001375568.1, NM_001375570.1).
Identifiers: ClinVar variation 3234328 (VCV003234328.20), dbSNP rs545976303, ClinGen allele CA862073060.
Genomic context (GRCh38, chr9:20,986,266, plus strand): 5'-TGTTTTGCCCTTGCCCTGAAATTCTGTAGCTACTTCAGTTAATTTAATAGTAACTAAACA[A>ATTTTTTTTTTTTTTTTTT]TTTTTTTTTTTTTTTTTGCAGAGCAACATAGAAAAAGCTGCCTTTGTCAAACTGTACTTA-3'